The following is an entry in ClinVar:

NM_001378454.1(ALMS1):c.6334del (p.Ser2112fs)

Gene: ALMS1 (ALMS1 centrosome and basal body associated protein; plus strand). Cytogenetic location: 2p13.1.
Variant type: Deletion.
Coding change: c.6334del on transcript NM_001378454.1 (MANE Select); coding-DNA position 6334, one base deleted (A; older notation c.6334delA).
Protein change: p.Ser2112fs; shifts the reading frame from serine 2112.
Molecular consequence: frameshift variant.
Genome position (GRCh38, 1-based): chr2:73,452,861, A deleted. VCF-style (leftmost placement, unchanged base first): chr2-73452860-TA-T. GRCh37 (hg19) VCF-style: chr2-73679987-TA-T.
Other names: c.6337del, p.Ser2113fs (NM_015120.4); short protein forms S2112fs, S2113fs.
Identifiers: ClinVar variation 4815798 (VCV004815798.1).

ClinVar aggregate classification (germline): Likely pathogenic (1 of 4 stars; one submission).

Conditions:
Alstrom syndrome (ALMS). Identifiers: Orphanet 64, MedGen C0268425, MONDO:0008763, OMIM 203800.

Submission:

Natera, Inc.
Classification: Likely pathogenic for Alstrom syndrome. Last evaluated: 2025-07-10. Review status: criteria provided, single submitter. Criteria: Natera Variant Classification Schema (03/2026). Collection method: clinical testing. Allele origin: germline.
Comment: The c.6337del variant in ALMS1 is a frameshift variant predicted to shift the reading frame beginning at codon 2113 and leads to a stop codon 3 codons downstream. This variant is expected to result in nonsense mediated decay, truncation, or a dysfunctional protein product. This variant is rare in the general population with a frequency below the threshold expected for the associated phenotype(s). Given the available evidence, this variant is classified as Likely Pathogenic.